The following is an entry in ClinVar:

ClinVar aggregate classification (germline): Uncertain significance (1 of 4 stars; one submission).

Allele frequency attached by ClinVar (database versions not stated): TOPMed below 0.00001; ExAC 0.00002.

Submission:

Labcorp Genetics (formerly Invitae), Labcorp
Classification: Uncertain significance. Last evaluated: 2019-02-11. Review status: criteria provided, single submitter. Criteria: Invitae Variant Classification Sherloc (09022015). Collection method: clinical testing. Allele origin: germline.
Comment: In summary, the available evidence is currently insufficient to determine the role of this variant in disease. Therefore, it has been classified as a Variant of Uncertain Significance. Algorithms developed to predict the effect of missense changes on protein structure and function (SIFT, PolyPhen-2, Align-GVGD) all suggest that this variant is likely to be tolerated, but these predictions have not been confirmed by published functional studies and their clinical significance is uncertain. This variant has not been reported in the literature in individuals with SOX5-related disease. This variant is present in population databases (rs754682828, ExAC 0.01%). This sequence change replaces histidine with arginine at codon 55 of the SOX5 protein (p.His55Arg). The histidine residue is moderately conserved and there is a small physicochemical difference between histine and arginine.

NM_006940.6(SOX5):c.164A>G (p.His55Arg)

Gene: SOX5 (SRY-box transcription factor 5; minus strand). Cytogenetic location: 12p12.1.
Variant type: single nucleotide variant.
Coding change: c.164A>G on transcript NM_006940.6 (MANE Select); coding-DNA position 164, A replaced by G.
Protein change: p.His55Arg; replaces histidine 55 with arginine.
Molecular consequence: missense variant.
Genome position (GRCh38, 1-based): chr12:23,895,899, T>C on the plus strand (A>G on the coding strand, the complement: SOX5 is on the minus strand). VCF-style: chr12-23895899-T-C. GRCh37 (hg19) VCF-style: chr12-24048833-T-C.
Other names: c.125A>G, p.His42Arg (NM_001261414.3, NM_152989.5); c.134A>G, p.His45Arg (NM_001261415.3); c.164A>G, p.His55Arg (NM_001330785.2); short protein forms H55R, H42R, H45R.
Identifiers: ClinVar variation 835565 (VCV000835565.8), dbSNP rs754682828, ClinGen allele CA6484427.